The following is an entry in ClinVar:

ClinVar aggregate classification (germline): Uncertain significance (1 of 4 stars; one submission).

Conditions:
KMT2E-related disorder. Also called: KMT2E-related condition.

gnomAD v4.1: 1 of 1,613,932 alleles (0.000062%); highest among the groups gnomAD compares: South Asian, 0.0011%; no homozygotes.

Submission:

PreventionGenetics, part of Exact Sciences
Classification: Uncertain significance for KMT2E-related condition. Last evaluated: 2026-07-17. Review status: criteria provided, single submitter. Criteria: ACMG Guidelines, 2015. Collection method: clinical testing. Allele origin: germline.
Comment: The KMT2E c.4712A>G variant is predicted to result in the amino acid substitution p.Gln1571Arg. To our knowledge, this variant has not been reported in the literature. This variant is reported in 0.0033% of alleles in individuals of South Asian descent in gnomAD. At this time, the clinical significance of this variant is uncertain due to the absence of conclusive functional and genetic evidence.

NM_182931.3(KMT2E):c.4712A>G (p.Gln1571Arg)

Gene: KMT2E (lysine methyltransferase 2E (inactive); plus strand). Cytogenetic location: 7q22.3.
Variant type: single nucleotide variant.
Coding change: c.4712A>G on transcript NM_182931.3 (MANE Select); coding-DNA position 4712, A replaced by G.
Protein change: p.Gln1571Arg; replaces glutamine 1571 with arginine.
Molecular consequence: missense variant.
Genome position (GRCh38, 1-based): chr7:105,112,468, A>G. VCF-style: chr7-105112468-A-G. GRCh37 (hg19) VCF-style: chr7-104752915-A-G.
Other names: c.4586A>G, p.Gln1529Arg (NM_001410908.1); c.4712A>G, p.Gln1571Arg (NM_018682.4); short protein forms Q1571R, Q1529R.
Identifiers: ClinVar variation 4994218 (VCV004994218.1).